The following is an entry in ClinVar:

NM_020843.4(SCAPER):c.1687G>A (p.Glu563Lys)

Gene: SCAPER (S-phase cyclin A associated protein in the ER; minus strand). Cytogenetic location: 15q24.3.
Variant type: single nucleotide variant.
Coding change: c.1687G>A on transcript NM_020843.4 (MANE Select); coding-DNA position 1687, G replaced by A.
Protein change: p.Glu563Lys; replaces glutamic acid 563 with lysine.
Molecular consequence: missense variant. On other transcripts: non-coding transcript variant (1).
Genome position (GRCh38, 1-based): chr15:76,764,999, C>T on the plus strand (G>A on the coding strand, the complement: SCAPER is on the minus strand). VCF-style: chr15-76764999-C-T. GRCh37 (hg19) VCF-style: chr15-77057340-C-T.
Other names: c.949G>A, p.Glu317Lys (NM_001145923.2); c.1705G>A, p.Glu569Lys (NM_001353009.2); c.1285G>A, p.Glu429Lys (NM_001353010.2, NM_001353012.2); c.1303G>A, p.Glu435Lys (NM_001353011.2); c.1705G>A (NM_001353009.1); short protein forms E317K, E435K, E563K, E569K, E429K.
Identifiers: ClinVar variation 4925978 (VCV004925978.2).

ClinVar aggregate classification (germline): Uncertain significance. Review status: criteria provided, multiple submitters, no conflicts (2 of 4 stars). 2 submissions from 2 submitters: Uncertain significance (2). Last evaluated 2025-04-10.

Conditions:
SCAPER-related disorder. Also called: SCAPER-related condition.

gnomAD v4.1: 10 of 1,602,240 alleles (0.00062%); highest among the groups gnomAD compares: East Asian, 0.0022%; no homozygotes.

Submissions (2):

PreventionGenetics, part of Exact Sciences
Classification: Uncertain significance for SCAPER-related condition. Last evaluated: 2025-04-10. Review status: criteria provided, single submitter. Criteria: ACMG Guidelines, 2015. Collection method: clinical testing. Allele origin: germline.
Comment: The SCAPER c.1705G>A variant is predicted to result in the amino acid substitution p.Glu569Lys. To our knowledge, this variant has not been reported in the literature. This variant is reported in 0.0042% of alleles in individuals of African descent in gnomAD. At this time, the clinical significance of this variant is uncertain due to the absence of conclusive functional and genetic evidence.

Blueprint Genetics
Classification: Uncertain significance. Last evaluated: 2021-09-28. Review status: criteria provided, single submitter. Criteria: ACMG Guidelines, 2015. Collection method: clinical testing. Allele origin: germline.